The following is an entry in ClinVar:

NM_001378615.1(CC2D2A):c.3399-3C>A

Genes: CC2D2A (coiled-coil and C2 domain containing 2A; plus strand), FBXL5 (F-box and leucine rich repeat protein 5; minus strand). Cytogenetic location: 4p15.32.
Variant type: single nucleotide variant.
Coding change: c.3399-3C>A on transcript NM_001378615.1 (MANE Select); 3 bases into the intron before coding-DNA position 3399, C replaced by A.
Molecular consequence: intron variant.
Genome position (GRCh38, 1-based): chr4:15,569,290, C>A. VCF-style: chr4-15569290-C-A. GRCh37 (hg19) VCF-style: chr4-15570913-C-A.
Other names: c.3399-3C>A (NM_001080522.2); c.3252-3C>A (NM_001378617.1).
Identifiers: ClinVar variation 56305 (VCV000056305.9), dbSNP rs386833753, ClinGen allele CA144227.

ClinVar aggregate classification (germline): Likely pathogenic. Review status: criteria provided, single submitter (1 of 4 stars). 2 submissions from 2 submitters: Likely pathogenic (1). 1 of the submissions does not count toward it. Last evaluated 2023-09-12.

Conditions:
Meckel-Gruber syndrome. Also called: Dysencephalia splachnocystica; DYSENCEPHALIA SPLANCHNOCYSTICA; GRUBER SYNDROME. Identifiers: Orphanet 564, MedGen C0265215, MONDO:0018921.
Joubert syndrome. Also called: Familial aplasia of the vermis; JOUBERT-BOLTSHAUSER SYNDROME. Identifiers: Orphanet 475, MedGen C5979921, MONDO:0018772.
Meckel syndrome, type 6. Identifiers: Orphanet 564, MedGen C2676790, MONDO:0012848, OMIM 612284.

Allele frequency attached by ClinVar (database versions not stated): gnomAD exomes 0.00001; TOPMed below 0.00001.

Submissions (2):

Labcorp Genetics (formerly Invitae), Labcorp
Classification: Likely pathogenic for Joubert syndrome; Meckel-Gruber syndrome. Last evaluated: 2023-09-12. Review status: criteria provided, single submitter. Criteria: Invitae Variant Classification Sherloc (09022015). Collection method: clinical testing. Allele origin: germline.
Comment: This sequence change falls in intron 27 of the CC2D2A gene. It does not directly change the encoded amino acid sequence of the CC2D2A protein. It affects a nucleotide within the consensus splice site. This variant is not present in population databases (gnomAD no frequency). This variant has been observed in individual(s) with Meckel-Gruber syndrome (PMID: 19777577). ClinVar contains an entry for this variant (Variation ID: 56305). Variants that disrupt the consensus splice site are a relatively common cause of aberrant splicing (PMID: 17576681, 9536098). Algorithms developed to predict the effect of sequence changes on RNA splicing suggest that this variant may disrupt the consensus splice site. In summary, the currently available evidence indicates that the variant is pathogenic, but additional data are needed to prove that conclusively. Therefore, this variant has been classified as Likely Pathogenic.

Juha Muilu Group; Institute for Molecular Medicine Finland (FIMM)
Classification: Likely pathogenic for Meckel syndrome, type 6. Review status: no assertion criteria provided. Collection method: not provided. Allele origin: unknown. Not counted in ClinVar's aggregate classification.
Comment: FinDis database variant: This variant was not found or characterized by our laboratory, data were collected from public sources: see reference
ClinVar note: Converted during submission from probable-pathogenic to Likely pathogenic.

Literature cited by the submitters: PubMed 19777577 (cited by Labcorp Genetics (formerly Invitae), Labcorp); PubMed 17576681 (cited by Labcorp Genetics (formerly Invitae), Labcorp); PubMed 9536098 (cited by Labcorp Genetics (formerly Invitae), Labcorp).